The following is an entry in ClinVar:

NM_000051.4(ATM):c.5809_5813del (p.Asn1937fs)

Genes: ATM (ATM serine/threonine kinase; plus strand), C11orf65 (chromosome 11 open reading frame 65; minus strand). Cytogenetic location: 11q22.3.
Variant type: Deletion.
Coding change: c.5809_5813del on transcript NM_000051.4 (MANE Select); coding-DNA positions 5809 to 5813, 5 bases deleted (AATTA; older notation c.5809_5813delAATTA).
Protein change: p.Asn1937fs; shifts the reading frame from asparagine 1937.
Molecular consequence: frameshift variant. On other transcripts: intron variant (2).
Genome position (GRCh38, 1-based): chr11:108,310,206-108,310,210, AATTA deleted; deleting any 5 consecutive bases within chr11:108,310,203-108,310,210 gives the same sequence; the c. name uses the placement nearest the transcript's 3' end. VCF-style (leftmost placement, unchanged base first): chr11-108310202-TTTAAA-T. GRCh37 (hg19) VCF-style: chr11-108180929-TTTAAA-T.
Other names: c.5809_5813del, p.Asn1937fs (NM_001351834.2); c.641-1136_641-1132del (NM_001330368.2); c.*39-1136_*39-1132del (NM_001351110.2); short protein forms N1937fs.
Identifiers: ClinVar variation 1749823 (VCV001749823.7), dbSNP rs2547027158, ClinGen allele CA2580083452.
Genomic context (GRCh38, chr11:108,310,202, plus strand): 5'-TATCTCATTTTTCTTTAGACCTTCTTCAGGAACAATTTTTAATGATGCTTTCTGGCTGGA[TTTAAA>T]TTATCTAGAAGTTGCCAAGGTAGCTCAGTCTTGTGCTGCTCACTTTACAGCTTTACTCTA-3'

ClinVar aggregate classification (germline): Pathogenic. Review status: criteria provided, multiple submitters, no conflicts (2 of 4 stars). 3 submissions from 3 submitters: Pathogenic (3). Last evaluated 2021-12-15.

Conditions:
Ataxia-telangiectasia syndrome (AT). Also called: Ataxia telangiectasia (A-T); LOUIS-BAR SYNDROME; Cerebello-oculocutaneous telangiectasia; Immunodeficiency with ataxia telangiectasia; Ataxia-telangiectasia, complementation group D; AT, COMPLEMENTATION GROUP C. Identifiers: Orphanet 100, MedGen C0004135, MONDO:0008840, OMIM 208900.
Familial cancer of breast. Also called: Hereditary breast cancer; hereditary breast carcinoma; BREAST CANCER, FAMILIAL. Identifiers: Orphanet 227535, MedGen C0346153, MONDO:0016419, OMIM 114480. Disease mechanism: loss of function.
Hereditary cancer-predisposing syndrome. Also called: Hereditary neoplastic syndrome; Neoplastic Syndromes, Hereditary; Tumor predisposition; Hereditary Cancer Syndrome. Identifiers: Orphanet 140162, MedGen C0027672, MeSH D009386, MONDO:0015356.

Submissions (3):

Labcorp Genetics (formerly Invitae), Labcorp
Classification: Pathogenic for Ataxia-telangiectasia syndrome. Last evaluated: 2021-12-15. Review status: criteria provided, single submitter. Criteria: Invitae Variant Classification Sherloc (09022015). Collection method: clinical testing. Allele origin: germline.
Comment: For these reasons, this variant has been classified as Pathogenic. This premature translational stop signal has been observed in individual(s) with clinical features of ataxia-telangiectasia (PMID: 10980530). This variant is not present in population databases (gnomAD no frequency). This sequence change creates a premature translational stop signal (p.Asn1937Serfs*26) in the ATM gene. It is expected to result in an absent or disrupted protein product. Loss-of-function variants in ATM are known to be pathogenic (PMID: 23807571, 25614872).

Baylor Genetics
Classification: Pathogenic for Familial cancer of breast. Last evaluated: 2021-08-09. Review status: criteria provided, single submitter. Criteria: ACMG Guidelines, 2015. Collection method: clinical testing. Allele origin: unknown.

Ambry Genetics
Classification: Pathogenic for Hereditary cancer-predisposing syndrome. Last evaluated: 2021-05-27. Review status: criteria provided, single submitter. Criteria: Ambry Variant Classification Scheme 2023. Collection method: clinical testing. Allele origin: germline.
Comment: The c.5809_5813delAATTA pathogenic mutation, located in coding exon 38 of the ATM gene, results from a deletion of 5 nucleotides at nucleotide positions 5809 to 5813, causing a translational frameshift with a predicted alternate stop codon (p.N1937Sfs*26). In addition to the clinical data presented in the literature, this alteration is expected to result in loss of function by premature protein truncation or nonsense-mediated mRNA decay. As such, this alteration is interpreted as a disease-causing mutation.

Literature cited by the submitters: PubMed 10980530 (cited by Labcorp Genetics (formerly Invitae), Labcorp and Ambry Genetics); PubMed 23807571 (cited by Labcorp Genetics (formerly Invitae), Labcorp); PubMed 25614872 (cited by Labcorp Genetics (formerly Invitae), Labcorp).